The following is an entry in ClinVar:

ClinVar aggregate classification (germline): Benign/Likely benign. Review status: criteria provided, multiple submitters, no conflicts (2 of 4 stars). 3 submissions from 3 submitters: Benign (1); Likely benign (1). 1 of the submissions does not count toward it. Last evaluated 2025-02-25.

Conditions:
NOTCH3-related disorder. Also called: NOTCH3-related condition; NOTCH3-related disorders.

Allele frequency attached by ClinVar (database versions not stated): ExAC 0.00001; gnomAD 0.00001 and 0.00002; gnomAD exomes 0.00001; 1000 Genomes Project 30x 0.00016; 1000 Genomes Project 0.00020.
gnomAD v4.1: 23 of 1,613,822 alleles (0.0014%); highest among the groups gnomAD compares: East Asian, 0.0067%; no homozygotes.

Submissions (3):

Athena Diagnostics
Classification: Benign. Last evaluated: 2025-02-25. Review status: criteria provided, single submitter. Criteria: Athena Diagnostics Criteria. Collection method: clinical testing. Allele origin: unknown.
Comment: Computational tools yielded predictions that this variant is unlikely to have an effect on normal RNA splicing. This nucleotide position exhibits low evolutionary conservation. This variant has been seen where an alternate explanation for disease was also identified.

Labcorp Genetics (formerly Invitae), Labcorp
Classification: Likely benign. Last evaluated: 2024-05-11. Review status: criteria provided, single submitter. Criteria: Invitae Variant Classification Sherloc (09022015). Collection method: clinical testing. Allele origin: germline.

PreventionGenetics, part of Exact Sciences
Classification: Likely benign for NOTCH3-related condition. Last evaluated: 2024-06-08. Review status: no assertion criteria provided. Collection method: clinical testing. Allele origin: germline. Not counted in ClinVar's aggregate classification.
Comment: This variant is classified as likely benign based on ACMG/AMP sequence variant interpretation guidelines (Richards et al. 2015 PMID: 25741868, with internal and published modifications).

NM_000435.3(NOTCH3):c.1059C>T (p.Asp353=)

Gene: NOTCH3 (notch receptor 3; minus strand). Cytogenetic location: 19p13.12.
Variant type: single nucleotide variant.
Coding change: c.1059C>T on transcript NM_000435.3 (MANE Select); coding-DNA position 1059, C replaced by T.
Protein change: p.Asp353=; no amino-acid change (aspartic acid 353 retained).
Molecular consequence: synonymous variant.
Genome position (GRCh38, 1-based): chr19:15,189,406, G>A on the plus strand (C>T on the coding strand, the complement: NOTCH3 is on the minus strand). VCF-style: chr19-15189406-G-A. GRCh37 (hg19) VCF-style: chr19-15300217-G-A.
Identifiers: ClinVar variation 804621 (VCV000804621.5), dbSNP rs529200949, ClinGen allele CA9263718.
Genomic context (GRCh38, chr19:15,189,406, plus strand): 5'-GCCGTTCACCGGATTTGTGTCACAGATAGCATCCTCGTGGCAGGGGTTGCTGACACAGGC[G>A]TCATCCAGGTGACACAGGAGGCCTGGGAAGTGGTAAGCAGAAGTCATAGGCAGATCTTCC-3'
Protein context (NP_000426.2, residues 343-363): GKTGLLCHLD[Asp353=]ACVSNPCHED